The following is an entry in ClinVar:

NM_014140.4(SMARCAL1):c.379G>C (p.Ala127Pro)

Gene: SMARCAL1 (SNF2 related chromatin remodeling annealing helicase 1; plus strand). Cytogenetic location: 2q35.
Variant type: single nucleotide variant.
Coding change: c.379G>C on transcript NM_014140.4 (MANE Select); coding-DNA position 379, G replaced by C.
Protein change: p.Ala127Pro; replaces alanine 127 with proline.
Molecular consequence: missense variant.
Genome position (GRCh38, 1-based): chr2:216,415,083, G>C. VCF-style: chr2-216415083-G-C. GRCh37 (hg19) VCF-style: chr2-217279806-G-C.
Other names: c.379G>C, p.Ala127Pro (NM_001127207.2); short protein forms A127P.
Identifiers: ClinVar variation 969532 (VCV000969532.8), dbSNP rs62178625, ClinGen allele CA2097586.

ClinVar aggregate classification (germline): Uncertain significance. Review status: criteria provided, multiple submitters, no conflicts (2 of 4 stars). 4 submissions from 4 submitters: Uncertain significance (3). 1 of the submissions does not count toward it. Last evaluated 2024-10-31.

Conditions:
Schimke immuno-osseous dysplasia (SIOD). Also called: Schimke Immunoosseous Dysplasia. Identifiers: Orphanet 1830, MedGen C0877024, MONDO:0009458, OMIM 242900.

Allele frequency attached by ClinVar (database versions not stated): gnomAD 0.00014 and 0.00017; ESP Exome Variant Server 0.00015; gnomAD exomes 0.00015 and 0.00026; TOPMed 0.00019; ExAC 0.00021.
gnomAD v4.1: 396 of 1,614,058 alleles (0.025%); highest among the groups gnomAD compares: Non-Finnish European, 0.032%; no homozygotes.

Submissions (4):

Blueprint Genetics
Classification: Uncertain significance. Last evaluated: 2024-10-31. Review status: criteria provided, single submitter. Criteria: ACMG Guidelines, 2015. Collection method: clinical testing. Allele origin: germline.

Fulgent Genetics
Classification: Uncertain significance for Schimke immuno-osseous dysplasia. Last evaluated: 2024-04-29. Review status: criteria provided, single submitter. Criteria: ACMG Guidelines, 2015. Collection method: clinical testing. Allele origin: germline.

Labcorp Genetics (formerly Invitae), Labcorp
Classification: Uncertain significance for Schimke immuno-osseous dysplasia. Last evaluated: 2022-08-19. Review status: criteria provided, single submitter. Criteria: Invitae Variant Classification Sherloc (09022015). Collection method: clinical testing. Allele origin: germline.
Comment: This sequence change replaces alanine, which is neutral and non-polar, with proline, which is neutral and non-polar, at codon 127 of the SMARCAL1 protein (p.Ala127Pro). This variant is present in population databases (rs62178625, gnomAD 0.03%). This variant has not been reported in the literature in individuals affected with SMARCAL1-related conditions. ClinVar contains an entry for this variant (Variation ID: 969532). Algorithms developed to predict the effect of missense changes on protein structure and function are either unavailable or do not agree on the potential impact of this missense change (SIFT: "Tolerated"; PolyPhen-2: "Probably Damaging"; Align-GVGD: "Class C0"). In summary, the available evidence is currently insufficient to determine the role of this variant in disease. Therefore, it has been classified as a Variant of Uncertain Significance.

Natera, Inc.
Classification: Uncertain significance for Schimke immuno-osseous dysplasia. Last evaluated: 2020-01-16. Review status: no assertion criteria provided. Collection method: clinical testing. Allele origin: germline. Not counted in ClinVar's aggregate classification.